The following is an entry in ClinVar:

NM_006087.4(TUBB4A):c.752G>A (p.Arg251His)

Gene: TUBB4A (tubulin beta 4A class IVa; minus strand). Cytogenetic location: 19p13.3.
Variant type: single nucleotide variant.
Coding change: c.752G>A on transcript NM_006087.4 (MANE Select); coding-DNA position 752, G replaced by A.
Protein change: p.Arg251His; replaces arginine 251 with histidine.
Molecular consequence: missense variant.
Genome position (GRCh38, 1-based): chr19:6,495,747, C>T on the plus strand (G>A on the coding strand, the complement: TUBB4A is on the minus strand). VCF-style: chr19-6495747-C-T. GRCh37 (hg19) VCF-style: chr19-6495758-C-T.
Other names: c.905G>A, p.Arg302His (NM_001289123.2); c.887G>A, p.Arg296His (NM_001289127.2); c.752G>A, p.Arg251His (NM_001289129.2); c.536G>A, p.Arg179His (NM_001289130.2, NM_001289131.2); short protein forms R179H, R251H, R296H, R302H.
Identifiers: ClinVar variation 3367992 (VCV003367992.3).

ClinVar aggregate classification (germline): Uncertain significance. Review status: criteria provided, multiple submitters, no conflicts (2 of 4 stars). 2 submissions from 2 submitters: Uncertain significance (2). Last evaluated 2024-04-25.

Conditions:
Torsion dystonia 4. Also called: DYSTONIA MUSCULORUM DEFORMANS 4; DYT-TUBB4A (Autosomal Dominant Torsion Dystonia). Identifiers: Orphanet 98805, MedGen C1851943, MONDO:0007493, OMIM 128101.
Leukodystrophy, hypomyelinating, 6. Also called: LEUKODYSTROPHY, HYPOMYELINATING, WITH ATROPHY OF THE BASAL GANGLIA AND CEREBELLUM; Hypomyelination with Atrophy of Basal Ganglia and Cerebellum (H-ABC); TUBB4A-Associated Leukodystrophy. Identifiers: Orphanet 139441, MedGen C2676244, MONDO:0012905, OMIM 612438.

gnomAD v4.1: 3 of 1,614,010 alleles (0.00019%); highest among the groups gnomAD compares: Non-Finnish European, 0.00025%; no homozygotes.

Submissions (2):

GeneDx
Classification: Uncertain significance. Last evaluated: 2024-04-25. Review status: criteria provided, single submitter. Criteria: GeneDx Variant Classification Process June 2021. Collection method: clinical testing. Allele origin: germline. Affected: yes.
Comment: In silico analysis supports that this missense variant has a deleterious effect on protein structure/function; Has not been previously published as pathogenic or benign to our knowledge

Juno Genomics, Hangzhou Juno Genomics, Inc
Classification: Uncertain significance for Torsion dystonia 4; Leukodystrophy, hypomyelinating, 6. Review status: criteria provided, single submitter. Criteria: ACMG Guidelines, 2015. Collection method: clinical testing. Allele origin: germline.
Comment: Absent from controls (or at extremely low frequency if recessive) in Genome Aggregation Database.;Missense variant in a gene that has a low rate of benign missense variation.;Multiple lines of computational evidence support a deleterious effect on the gene or gene product.